The following is an entry in ClinVar:

NM_017613.4(DONSON):c.1466A>G (p.Lys489Arg)

Gene: DONSON (DNA replication fork stabilization factor DONSON; minus strand). Cytogenetic location: 21q22.11.
Variant type: single nucleotide variant.
Coding change: c.1466A>G on transcript NM_017613.4 (MANE Select); coding-DNA position 1466, A replaced by G.
Protein change: p.Lys489Arg; replaces lysine 489 with arginine.
Molecular consequence: missense variant.
Genome position (GRCh38, 1-based): chr21:33,579,447, T>C on the plus strand (A>G on the coding strand, the complement: DONSON is on the minus strand). VCF-style: chr21-33579447-T-C. GRCh37 (hg19) VCF-style: chr21-34951753-T-C.
Other names: short protein forms K489R.
Identifiers: ClinVar variation 737509 (VCV000737509.12), dbSNP rs146664036, ClinGen allele CA10010307.

ClinVar aggregate classification (germline): Benign/Likely benign. Review status: criteria provided, multiple submitters, no conflicts (2 of 4 stars). 3 submissions from 3 submitters: Benign (1); Likely benign (1). 1 of the submissions does not count toward it. Last evaluated 2025-11-10.

Conditions:
DONSON-related disorder. Also called: DONSON-related condition.

Allele frequency attached by ClinVar (database versions not stated): 1000 Genomes Project 30x 0.00125; 1000 Genomes Project 0.00160; TOPMed 0.00108.

Submissions (3):

Labcorp Genetics (formerly Invitae), Labcorp
Classification: Benign. Last evaluated: 2025-11-10. Review status: criteria provided, single submitter. Criteria: Invitae Variant Classification Sherloc (09022015). Collection method: clinical testing. Allele origin: germline.

Blueprint Genetics
Classification: Likely benign. Last evaluated: 2024-10-11. Review status: criteria provided, single submitter. Criteria: ACMG Guidelines, 2015. Collection method: clinical testing. Allele origin: germline.

PreventionGenetics, part of Exact Sciences
Classification: Benign for DONSON-related condition. Last evaluated: 2024-08-14. Review status: no assertion criteria provided. Collection method: clinical testing. Allele origin: germline. Not counted in ClinVar's aggregate classification.
Comment: This variant is classified as benign based on ACMG/AMP sequence variant interpretation guidelines (Richards et al. 2015 PMID: 25741868, with internal and published modifications).